The following is an entry in ClinVar:

NM_000535.7(PMS2):c.1144+3A>G

Gene: PMS2 (PMS1 homolog 2, mismatch repair system component; minus strand). Cytogenetic location: 7p22.1.
Variant type: single nucleotide variant.
Coding change: c.1144+3A>G on transcript NM_000535.7 (MANE Select); 3 bases into the intron after coding-DNA position 1144, A replaced by G.
Molecular consequence: intron variant.
Genome position (GRCh38, 1-based): chr7:5,989,797, T>C on the plus strand (A>G on the coding strand, the complement: PMS2 is on the minus strand). VCF-style: chr7-5989797-T-C. GRCh37 (hg19) VCF-style: chr7-6029428-T-C.
Other names: c.826+3A>G (NM_001322008.2, NM_001322007.2); c.583+2176A>G (NM_001322010.2); c.739+3A>G (NM_001322004.2, NM_001322003.2, NM_001322009.2 and 1 more transcripts); c.571+3A>G (NM_001322013.2); c.211+3A>G (NM_001322012.2, NM_001322011.2); c.835+3A>G (NM_001322015.2); c.988+2176A>G (NM_001322006.2); c.1144+3A>G (NM_001322014.2).
Identifiers: ClinVar variation 1002570 (VCV001002570.10), dbSNP rs1430015665, ClinGen allele CA572822667.

ClinVar aggregate classification (germline): Uncertain significance. Review status: criteria provided, multiple submitters, no conflicts (2 of 4 stars). 2 submissions from 2 submitters: Uncertain significance (2). Last evaluated 2025-01-15.

Conditions:
Hereditary nonpolyposis colorectal neoplasms. Identifiers: MedGen C0009405, MeSH D003123.
Hereditary cancer-predisposing syndrome. Also called: Neoplastic Syndromes, Hereditary; Tumor predisposition; Hereditary Cancer Syndrome; Hereditary neoplastic syndrome. Identifiers: Orphanet 140162, MedGen C0027672, MeSH D009386, MONDO:0015356.

Allele frequency attached by ClinVar (database versions not stated): gnomAD exomes below 0.00001; TOPMed below 0.00001; gnomAD 0.00001.
gnomAD v4.1: 4 of 1,610,368 alleles (0.00025%); highest among the groups gnomAD compares: African/African-American, 0.004%; no homozygotes.

Submissions (2):

Labcorp Genetics (formerly Invitae), Labcorp
Classification: Uncertain significance for Hereditary nonpolyposis colorectal neoplasms. Last evaluated: 2025-01-15. Review status: criteria provided, single submitter. Criteria: Invitae Variant Classification Sherloc (09022015). Collection method: clinical testing. Allele origin: germline.
Comment: This sequence change falls in intron 10 of the PMS2 gene. It does not directly change the encoded amino acid sequence of the PMS2 protein. It affects a nucleotide within the consensus splice site. This variant is present in population databases (no rsID available, gnomAD 0.007%). This variant has not been reported in the literature in individuals affected with PMS2-related conditions. ClinVar contains an entry for this variant (Variation ID: 1002570). Variants that disrupt the consensus splice site are a relatively common cause of aberrant splicing (PMID: 17576681, 9536098). Algorithms developed to predict the effect of sequence changes on RNA splicing suggest that this variant is not likely to affect RNA splicing. In summary, the available evidence is currently insufficient to determine the role of this variant in disease. Therefore, it has been classified as a Variant of Uncertain Significance.

Ambry Genetics
Classification: Uncertain significance for Hereditary cancer-predisposing syndrome. Last evaluated: 2024-10-01. Review status: criteria provided, single submitter. Criteria: Ambry Variant Classification Scheme 2023. Collection method: clinical testing. Allele origin: germline.
Comment: The c.1144+3A>G intronic variant results from an A to G substitution 3 nucleotides after coding exon 10 in the PMS2 gene. This nucleotide position is not well conserved in available vertebrate species. In silico splice site analysis predicts that this alteration will not have any significant effect on splicing; however, direct evidence is insufficient at this time (Ambry internal data). Based on the available evidence, the clinical significance of this variant remains unclear.

Literature cited by the submitters: PubMed 17576681 (cited by Labcorp Genetics (formerly Invitae), Labcorp); PubMed 9536098 (cited by Labcorp Genetics (formerly Invitae), Labcorp).